The following is an entry in ClinVar:

NM_000059.4(BRCA2):c.7103T>C (p.Leu2368Ser)

Gene: BRCA2 (BRCA2 DNA repair associated; plus strand). Cytogenetic location: 13q13.1.
Variant type: single nucleotide variant.
Coding change: c.7103T>C on transcript NM_000059.4 (MANE Select); coding-DNA position 7103, T replaced by C.
Protein change: p.Leu2368Ser; replaces leucine 2368 with serine.
Molecular consequence: missense variant.
Genome position (GRCh38, 1-based): chr13:32,354,956, T>C. VCF-style: chr13-32354956-T-C. GRCh37 (hg19) VCF-style: chr13-32929093-T-C.
Other names: short protein forms L2368S.
Identifiers: ClinVar variation 826842 (VCV000826842.4), dbSNP rs1593917796, ClinGen allele CA387738575.

ClinVar aggregate classification (germline): Uncertain significance (1 of 4 stars; one submission).

Conditions:
Hereditary cancer-predisposing syndrome. Also called: Neoplastic Syndromes, Hereditary; Tumor predisposition; Hereditary neoplastic syndrome; Hereditary Cancer Syndrome. Identifiers: Orphanet 140162, MedGen C0027672, MeSH D009386, MONDO:0015356.

Submission:

Ambry Genetics
Classification: Uncertain significance for Hereditary cancer-predisposing syndrome. Last evaluated: 2023-10-08. Review status: criteria provided, single submitter. Criteria: Ambry Variant Classification Scheme 2023. Collection method: clinical testing. Allele origin: germline.
Comment: The p.L2368S variant (also known as c.7103T>C), located in coding exon 13 of the BRCA2 gene, results from a T to C substitution at nucleotide position 7103. The leucine at codon 2368 is replaced by serine, an amino acid with dissimilar properties. This amino acid position is not well conserved in available vertebrate species. In addition, this alteration is predicted to be tolerated by in silico analysis. Since supporting evidence is limited at this time, the clinical significance of this alteration remains unclear.